The following is an entry in ClinVar:

NM_004655.4(AXIN2):c.2084C>T (p.Ala695Val)

Gene: AXIN2 (axin 2; minus strand). Cytogenetic location: 17q24.1.
Variant type: single nucleotide variant.
Coding change: c.2084C>T on transcript NM_004655.4 (MANE Select); coding-DNA position 2084, C replaced by T.
Protein change: p.Ala695Val; replaces alanine 695 with valine.
Molecular consequence: missense variant.
Genome position (GRCh38, 1-based): chr17:65,536,377, G>A on the plus strand (C>T on the coding strand, the complement: AXIN2 is on the minus strand). VCF-style: chr17-65536377-G-A. GRCh37 (hg19) VCF-style: chr17-63532495-G-A.
Other names: c.1889C>T, p.Ala630Val (NM_001363813.1); short protein forms A630V, A695V.
Identifiers: ClinVar variation 5032512 (VCV005032512.1).
Genomic context (GRCh38, chr17:65,536,377, plus strand): 5'-CACCGCTGCTTTGGGGGCTTCGACACCTCAGCTAGCCTGCGACAGGCCTCCTCCAGCTGA[G>A]CCAGCGTGTTGGGTGGGGTCAGGGGAGGCATCGCAGGGTCCTGGGTGAACAGGTGGGCAC-3'
Protein context (NP_004646.3, residues 685-705): MPPLTPPNTL[Ala695Val]QLEEACRRLA

ClinVar aggregate classification (germline): Uncertain significance (1 of 4 stars; one submission).

Conditions:
Hereditary cancer-predisposing syndrome. Also called: Neoplastic Syndromes, Hereditary; Tumor predisposition; Hereditary neoplastic syndrome; Hereditary Cancer Syndrome. Identifiers: Orphanet 140162, MedGen C0027672, MeSH D009386, MONDO:0015356.

Submission:

Ambry Genetics
Classification: Uncertain significance for Hereditary cancer-predisposing syndrome. Last evaluated: 2026-07-07. Review status: criteria provided, single submitter. Criteria: Ambry Variant Classification Scheme 2023. Collection method: clinical testing. Allele origin: germline.
Comment: The p.A695V variant (also known as c.2084C>T), located in coding exon 7 of the AXIN2 gene, results from a C to T substitution at nucleotide position 2084. The alanine at codon 695 is replaced by valine, an amino acid with similar properties. This amino acid position is conserved. In addition, the in silico prediction for this alteration is inconclusive. Based on the available evidence, the clinical significance of this variant remains unclear.